The following is an entry in ClinVar:

NM_014920.5(CILK1):c.470C>T (p.Thr157Ile)

Gene: CILK1 (ciliogenesis associated kinase 1; minus strand). Cytogenetic location: 6p12.1.
Variant type: single nucleotide variant.
Coding change: c.470C>T on transcript NM_014920.5 (MANE Select); coding-DNA position 470, C replaced by T.
Protein change: p.Thr157Ile; replaces threonine 157 with isoleucine.
Molecular consequence: missense variant. On other transcripts: non-coding transcript variant (1).
Genome position (GRCh38, 1-based): chr6:53,019,248, G>A on the plus strand (C>T on the coding strand, the complement: CILK1 is on the minus strand). VCF-style: chr6-53019248-G-A. GRCh37 (hg19) VCF-style: chr6-52884046-G-A.
Other names: c.470C>T, p.Thr157Ile (NM_001375397.1, NM_001375398.1, NM_001375399.1 and 4 more transcripts); short protein forms T157I.
Identifiers: ClinVar variation 2047993 (VCV002047993.4), dbSNP rs752440530, ClinGen allele CA3858789.
Genomic context (GRCh38, chr6:53,019,248, plus strand): 5'-GAAGTGCAATTAAATAATTTTGAGAAAAATGGTATTCACCATCTGGTAGATACATAATCT[G>A]TATATGGAGGTTTTGATCGTATTTCTCGGGCCAAACCAAAGTCTGCAATTTTCACAAGTT-3'
Protein context (NP_055735.1, residues 147-167): AREIRSKPPY[Thr157Ile]DYVSTRWYRA

ClinVar aggregate classification (germline): Uncertain significance (1 of 4 stars; one submission).

Allele frequency attached by ClinVar (database versions not stated): TOPMed below 0.00001; gnomAD 0.00001.
gnomAD v4.1: 2 of 1,613,748 alleles (0.00012%); highest among the groups gnomAD compares: Non-Finnish European, 0.000085%; no homozygotes.

Submission:

Labcorp Genetics (formerly Invitae), Labcorp
Classification: Uncertain significance. Last evaluated: 2024-02-24. Review status: criteria provided, single submitter. Criteria: Invitae Variant Classification Sherloc (09022015). Collection method: clinical testing. Allele origin: germline.
Comment: This sequence change replaces threonine, which is neutral and polar, with isoleucine, which is neutral and non-polar, at codon 157 of the ICK protein (p.Thr157Ile). This variant is present in population databases (rs752440530, gnomAD 0.01%). This variant has not been reported in the literature in individuals affected with ICK-related conditions. ClinVar contains an entry for this variant (Variation ID: 2047993). Advanced modeling of protein sequence and biophysical properties (such as structural, functional, and spatial information, amino acid conservation, physicochemical variation, residue mobility, and thermodynamic stability) performed at Invitae indicates that this missense variant is expected to disrupt ICK protein function with a positive predictive value of 80%. In summary, the available evidence is currently insufficient to determine the role of this variant in disease. Therefore, it has been classified as a Variant of Uncertain Significance.